The following is an entry in ClinVar:

NM_201384.3(PLEC):c.5369AGGCCG[3] (p.1790EA[3])

Gene: PLEC (plectin; minus strand). Cytogenetic location: 8q24.3.
Variant type: Microsatellite.
Coding change: c.5369AGGCCG[3] on transcript NM_201384.3 (MANE Select); three copies in a row of the 6-base unit AGGCCG starting at c.5369; the reference has two copies in a row; one copy, 6 bases duplicated.
Protein change: p.1790EA[3].
Molecular consequence: inframe insertion.
Genome position (GRCh38, 1-based): chr8:143,924,549-143,924,554, CGGCCT duplicated on the plus strand (AGGCCG on the coding strand, the reverse complement: PLEC is on the minus strand); duplicating any 6 consecutive bases within chr8:143,924,549-143,924,561 gives the same sequence; the position shown is the placement nearest the transcript's 3' end. VCF-style (leftmost placement, unchanged base first): chr8-143924548-C-CCGGCCT. GRCh37 (hg19) VCF-style: chr8-144998716-C-CCGGCCT.
Other names: c.5450AGGCCG[3], p.1817EA[3] (NM_000445.5); c.5327AGGCCG[3], p.1776EA[3] (NM_201378.4); c.5303AGGCCG[3], p.1768EA[3] (NM_201379.3); c.5780AGGCCG[3], p.1927EA[3] (NM_201380.4); c.5273AGGCCG[3], p.1758EA[3] (NM_201381.3); c.5369AGGCCG[3], p.1790EA[3] (NM_201382.4); c.5381AGGCCG[3], p.1794EA[3] (NM_201383.3).
Identifiers: ClinVar variation 538934 (VCV000538934.1), dbSNP rs1464842034, ClinGen allele CA658797165.
Genomic context (GRCh38, chr8:143,924,548, plus strand): 5'-TTGGCCTCTTCCGCCAGGGCACGCAGGCGGGCGGCCTCCTCGGCCAGCTCGCGGAACCGG[C>CCGGCCT]CGGCCTCGGCCTCCAGCCTCTGCTTGGACTTCTCGCTGGTGGAGCGCGACTCCTCCTCAG-3'

ClinVar aggregate classification (germline): Uncertain significance (1 of 4 stars; one submission).

Conditions:
Epidermolysis bullosa simplex with nail dystrophy (EBS5D). Identifiers: MedGen C4225309, MONDO:0014661, OMIM 616487.
Epidermolysis bullosa simplex 5B, with muscular dystrophy (EBS5B). Also called: EPIDERMOLYSIS BULLOSA SIMPLEX AND LIMB-GIRDLE MUSCULAR DYSTROPHY; Epidermolysis bullosa simplex with muscular dystrophy. Identifiers: Orphanet 257, MedGen C2931072, MONDO:0009181, OMIM 226670.
Epidermolysis bullosa simplex, Ogna type (EBS5A). Also called: Pidermolysis bullosa simplex 5A, Ogna type; EPIDERMOLYSIS BULLOSA SIMPLEX 5A, OGNA TYPE. Identifiers: Orphanet 79401, MedGen C0432317, MONDO:0007555, OMIM 131950.
Autosomal recessive limb-girdle muscular dystrophy type 2Q (LGMDR17). Also called: MUSCULAR DYSTROPHY, LIMB-GIRDLE, AUTOSOMAL RECESSIVE 17. Identifiers: Orphanet 254361, MedGen C3150989, MONDO:0013390, OMIM 613723.
Epidermolysis bullosa simplex 5C, with pyloric atresia (EBS5C). Also called: PLEC-Related Epidermolysis Bullosa with Pyloric Atresia; Epidermolysis bullosa simplex with pyloric atresia; PLEC1-Related Epidermolysis Bullosa with Pyloric Atresia. Identifiers: Orphanet 158684, MedGen C2677349, MONDO:0012807, OMIM 612138.

Submission:

Labcorp Genetics (formerly Invitae), Labcorp
Classification: Uncertain significance for Autosomal recessive limb-girdle muscular dystrophy type 2Q; Epidermolysis bullosa simplex, Ogna type; Epidermolysis bullosa simplex with nail dystrophy; Epidermolysis bullosa simplex 5C, with pyloric atresia; Epidermolysis bullosa simplex 5B, with muscular dystrophy. Last evaluated: 2017-12-28. Review status: criteria provided, single submitter. Criteria: Invitae Variant Classification Sherloc (09022015). Collection method: clinical testing. Allele origin: germline.
Comment: This variant, c.5456_5461dupAGGCCG, results in the insertion of 2 amino acids to the PLEC protein (p.Glu1819_Ala1820dup), but otherwise preserves the integrity of the reading frame. While this variant is not present in population databases, the frequency information is unreliable, as metrics indicate poor data quality at this position in the ExAC database. This variant has not been reported in the literature in individuals with PLEC-related disease. Experimental studies and prediction algorithms are not available for this variant, and the functional significance of the duplicated amino acids is currently unknown. In summary, the available evidence is currently insufficient to determine the role of this variant in disease. Therefore, it has been classified as a Variant of Uncertain Significance.